The following is an entry in ClinVar:

NM_003002.4(SDHD):c.33C>A (p.Cys11Ter)

Genes: SDHD (succinate dehydrogenase complex subunit D; plus strand), LOC126861339 (BRD4-independent group 4 enhancer GRCh37_chr11:111957035-111958234; plus strand). Cytogenetic location: 11q23.1.
Variant type: single nucleotide variant.
Coding change: c.33C>A on transcript NM_003002.4 (MANE Select); coding-DNA position 33, C replaced by A.
Protein change: p.Cys11Ter; replaces cysteine 11 with a stop codon.
Molecular consequence: nonsense. On other transcripts: non-coding transcript variant (1).
Genome position (GRCh38, 1-based): chr11:112,086,940, C>A. VCF-style: chr11-112086940-C-A. GRCh37 (hg19) VCF-style: chr11-111957664-C-A.
Other names: c.33C>A, p.Cys11Ter (NM_001276503.2, NM_001276504.2, NM_001276506.2); short protein forms C11*.
Identifiers: ClinVar variation 6915 (VCV000006915.25), dbSNP rs104894309, ClinGen allele CA016967.

ClinVar aggregate classification (germline): Pathogenic. Review status: criteria provided, multiple submitters, no conflicts (2 of 4 stars). 7 submissions from 7 submitters: Pathogenic (6). 1 of the submissions does not count toward it. Last evaluated 2024-09-26.

Conditions:
Pheochromocytoma. Also called: MAX-Related Hereditary Paraganglioma-Pheochromocytoma Syndrome. Identifiers: Orphanet 29072, MedGen C0031511, MONDO:0008233, OMIM 171300, HP:0002666.
Cowden syndrome 3 (CWS3). Identifiers: Orphanet 201, MedGen CN166604, MONDO:0014045.
Carney-Stratakis syndrome. Also called: PARAGANGLIOMA AND GASTROINTESTINAL STROMAL TUMOR. Identifiers: Orphanet 97286, MedGen C1847319, MONDO:0011740, OMIM 606864.
Paragangliomas with sensorineural hearing loss. Identifiers: MedGen C1868633.
Hereditary cancer-predisposing syndrome. Also called: Tumor predisposition; Hereditary neoplastic syndrome; Hereditary Cancer Syndrome; Neoplastic Syndromes, Hereditary. Identifiers: Orphanet 140162, MedGen C0027672, MeSH D009386, MONDO:0015356.
Pheochromocytoma/paraganglioma syndrome 1. Also called: PARAGANGLIOMATA; PARAGANGLIOMAS, FAMILIAL NONCHROMAFFIN, 1; PGL 1; Paragangliomas familial 1; Paraganglioma - glomus jugulare; SDHD-Related Hereditary Paraganglioma-Pheochromocytoma Syndrome. Identifiers: Orphanet 29072, MedGen C3494181, MONDO:0008192, OMIM 168000.

Submissions (7):

Department of Human Genetics, Hannover Medical School
Classification: Pathogenic for Pheochromocytoma/paraganglioma syndrome 1. Last evaluated: 2024-09-26. Review status: criteria provided, single submitter. Criteria: ACMG Guidelines, 2015. Collection method: clinical testing. Allele origin: germline. Affected: yes.
Comment: ACMG: PVS1, PM2_Supporting, PP4

Labcorp Genetics (formerly Invitae), Labcorp
Classification: Pathogenic for Carney-Stratakis syndrome; Paragangliomas with sensorineural hearing loss; Pheochromocytoma; Cowden syndrome 3. Last evaluated: 2024-09-06. Review status: criteria provided, single submitter. Criteria: Invitae Variant Classification Sherloc (09022015). Collection method: clinical testing. Allele origin: germline.
Comment: This sequence change creates a premature translational stop signal (p.Cys11*) in the SDHD gene. It is expected to result in an absent or disrupted protein product. Loss-of-function variants in SDHD are known to be pathogenic (PMID: 19454582, 19802898). This variant is not present in population databases (gnomAD no frequency). This premature translational stop signal has been observed in individual(s) with pheochromocytoma and/or paraganglioma (PMID: 12000816, 18826997, 29386252). It is commonly reported in individuals of Polish ancestry (PMID: 12000816, 18826997, 29386252). ClinVar contains an entry for this variant (Variation ID: 6915). For these reasons, this variant has been classified as Pathogenic.

Myriad Genetics, Inc.
Classification: Pathogenic for Pheochromocytoma/paraganglioma syndrome 1. Last evaluated: 2023-08-29. Review status: criteria provided, single submitter. Criteria: Myriad Autosomal Dominant, Autosomal Recessive and X-Linked Classification Criteria (2023). Collection method: clinical testing. Allele origin: unknown.
Comment: This variant is considered pathogenic. This variant creates a termination codon and is predicted to result in premature protein truncation.

Ambry Genetics
Classification: Pathogenic for Hereditary cancer-predisposing syndrome. Last evaluated: 2022-05-06. Review status: criteria provided, single submitter. Criteria: Ambry Variant Classification Scheme 2023. Collection method: clinical testing. Allele origin: germline.
Comment: The p.C11* pathogenic mutation (also known as c.33C>A), located in coding exon 1 of the SDHD gene, results from a C to A substitution at nucleotide position 33. This changes the amino acid from a cysteine to a stop codon within coding exon 1 (p.C11*). This mutation has been reported in multiple individuals diagnosed with pheochromocytoma(s) and/or extra-adrenal paraganglioma(s) (Neumann HP et al. N. Engl. J. Med. 2002 May;346(19):1459-66; Peczkowska M et al. J. Clin. Endocrinol. Metab. 2008 Dec;93(12):4818-25; Michaowska I et al. Neuroendocrinology. 2015 Mar;101:321-30; Michaowska I et al. Kardiochir Torakochirurgia Pol. 2016 Sep;13:276-282). Peczkowaka and colleagues analyzed numerous p.C11* carrier families ascertained through the European-American PGL-PCC registry. In this series, the penetrance of head and neck PGLs in mutation carriers was 100% by age 54 and haplotype analysis data supported p.C11* as a founder mutation of Polish origin (Peczkowska M et al. J. Clin. Endocrinol. Metab. 2008 Dec;93(12):4818-25). In addition to the clinical data presented in the literature, this alteration is expected to result in loss of function by premature protein truncation or nonsense-mediated mRNA decay. As such, this alteration is interpreted as a disease-causing mutation.

MGZ Medical Genetics Center
Classification: Pathogenic for Pheochromocytoma/paraganglioma syndrome 1. Last evaluated: 2021-12-28. Review status: criteria provided, single submitter. Criteria: ACMG Guidelines, 2015. Collection method: clinical testing. Allele origin: germline. Affected: yes. Observed: 1 variant allele.
Comment: ACMG criteria applied: PVS1, PS4_MOD, PM2_SUP

Institute of Human Genetics, University of Leipzig Medical Center
Classification: Pathogenic for Pheochromocytoma. Last evaluated: 2021-12-09. Review status: criteria provided, single submitter. Criteria: ACMG Guidelines, 2015. Collection method: clinical testing. Allele origin: maternal.
Comment: Criteria applied: PVS1, PS4_MOD, PM2_SUP

OMIM
Classification: Pathogenic for PHEOCHROMOCYTOMA/PARAGANGLIOMA SYNDROME 1. Last evaluated: 2002-05-09. Review status: no assertion criteria provided. Collection method: literature only. Allele origin: germline. Not counted in ClinVar's aggregate classification.

Literature cited by the submitters: PubMed 19454582 (cited by Labcorp Genetics (formerly Invitae), Labcorp); PubMed 19802898 (cited by Labcorp Genetics (formerly Invitae), Labcorp); PubMed 12000816 (cited by 3 submitters); PubMed 18826997 (cited by Labcorp Genetics (formerly Invitae), Labcorp and Ambry Genetics); PubMed 29386252 (cited by Labcorp Genetics (formerly Invitae), Labcorp); PubMed 25791839 (cited by Ambry Genetics); PubMed 27785149 (cited by Ambry Genetics).